The following is an entry in ClinVar:

ClinVar aggregate classification (germline): Benign/Likely benign. Review status: criteria provided, multiple submitters, no conflicts (2 of 4 stars). 6 submissions from 6 submitters: Benign (1); Likely benign (5). Last evaluated 2026-02-02.

Conditions:
Immunodeficiency, common variable, 10. Also called: DEFICIT IN ANTERIOR PITUITARY FUNCTION AND VARIABLE IMMUNODEFICIENCY; IMMUNODEFICIENCY, COMMON VARIABLE, WITH CENTRAL ADRENAL INSUFFICIENCY. Identifiers: MedGen C3809991, MONDO:0014260, OMIM 615577.

Allele frequency attached by ClinVar (database versions not stated): 1000 Genomes Project 0.00040; 1000 Genomes Project 30x 0.00047; TOPMed 0.00115; gnomAD 0.00123 and 0.00128; ExAC 0.00128; ESP Exome Variant Server 0.00190.
gnomAD v4.1: 2,772 of 1,611,746 alleles (0.17%); highest among the groups gnomAD compares: Non-Finnish European, 0.22%; 5 homozygotes.

Submissions (6):

Labcorp Genetics (formerly Invitae), Labcorp
Classification: Benign for Immunodeficiency, common variable, 10. Last evaluated: 2026-02-02. Review status: criteria provided, single submitter. Criteria: Invitae Variant Classification Sherloc (09022015). Collection method: clinical testing. Allele origin: germline.

Mayo Clinic Laboratories, Mayo Clinic
Classification: Likely benign. Last evaluated: 2025-06-23. Review status: criteria provided, single submitter. Criteria: ACMG Guidelines, 2015. Collection method: clinical testing. Allele origin: germline. Observed: 1 variant allele.
Comment: BS1, BP4, BP7

Blueprint Genetics
Classification: Likely benign. Last evaluated: 2024-11-27. Review status: criteria provided, single submitter. Criteria: ACMG Guidelines, 2015. Collection method: clinical testing. Allele origin: germline.

ARUP Laboratories, Molecular Genetics and Genomics, ARUP Laboratories
Classification: Likely benign for Immunodeficiency, common variable, 10. Last evaluated: 2024-09-06. Review status: criteria provided, single submitter. Criteria: ARUP Molecular Germline Variant Investigation Process 2024. Collection method: clinical testing. Allele origin: germline.

CeGaT Center for Human Genetics Tuebingen
Classification: Likely benign. Last evaluated: 2023-10-01. Review status: criteria provided, single submitter. Criteria: CeGaT Center For Human Genetics Tuebingen Variant Classification Criteria Version 2. Collection method: clinical testing. Allele origin: germline. Affected: yes. Observed: 2 variant alleles.
Comment: NFKB2: BP4, BP7

Breakthrough Genomics
Classification: Likely benign. Review status: criteria provided, single submitter. Criteria: ACMG Guidelines, 2015. Collection method: not provided. Allele origin: germline. Inheritance: Autosomal dominant inheritance. Affected: yes.

NM_001322934.2(NFKB2):c.2145G>A (p.Ser715=)

Gene: NFKB2 (nuclear factor kappa B subunit 2; plus strand). Cytogenetic location: 10q24.32.
Variant type: single nucleotide variant.
Coding change: c.2145G>A on transcript NM_001322934.2 (MANE Select); coding-DNA position 2145, G replaced by A.
Protein change: p.Ser715=; no amino-acid change (serine 715 retained).
Molecular consequence: synonymous variant.
Genome position (GRCh38, 1-based): chr10:102,401,253, G>A. VCF-style: chr10-102401253-G-A. GRCh37 (hg19) VCF-style: chr10-104161010-G-A.
Other names: p.Ser715=; c.2145G>A, p.Ser715= (LRG_1347t1, NM_001077494.3, NM_001261403.3 and 2 more transcripts); c.2019G>A, p.Ser673= (NM_001322935.1).
Identifiers: ClinVar variation 541638 (VCV000541638.46), dbSNP rs200006038, ClinGen allele CA5665002.